The following is an entry in ClinVar:

ClinVar aggregate classification (germline): Uncertain significance (1 of 4 stars; one submission).

Conditions:
Walker-Warburg congenital muscular dystrophy. Also called: Muscular dystrophy-dystroglycanopathy, type A; Walker-Warburg syndrome. Identifiers: Orphanet 899, MedGen C0265221, MONDO:0000171.

gnomAD v4.1: 3 of 1,613,274 alleles (0.00019%); highest among the groups gnomAD compares: Non-Finnish European, 0.00025%; no homozygotes.

Submission:

Labcorp Genetics (formerly Invitae), Labcorp
Classification: Uncertain significance for Walker-Warburg congenital muscular dystrophy. Last evaluated: 2022-08-22. Review status: criteria provided, single submitter. Criteria: Invitae Variant Classification Sherloc (09022015). Collection method: clinical testing. Allele origin: germline.
Comment: This sequence change replaces histidine, which is basic and polar, with glutamine, which is neutral and polar, at codon 412 of the FKRP protein (p.His412Gln). This variant is not present in population databases (gnomAD no frequency). This variant has not been reported in the literature in individuals affected with FKRP-related conditions. ClinVar contains an entry for this variant (Variation ID: 648821). Algorithms developed to predict the effect of missense changes on protein structure and function are either unavailable or do not agree on the potential impact of this missense change (SIFT: "Tolerated"; PolyPhen-2: "Probably Damaging"; Align-GVGD: "Class C0"). In summary, the available evidence is currently insufficient to determine the role of this variant in disease. Therefore, it has been classified as a Variant of Uncertain Significance.

NM_024301.5(FKRP):c.1236C>G (p.His412Gln)

Gene: FKRP (fukutin related protein; plus strand). Cytogenetic location: 19q13.32.
Variant type: single nucleotide variant.
Coding change: c.1236C>G on transcript NM_024301.5 (MANE Select); coding-DNA position 1236, C replaced by G.
Protein change: p.His412Gln; replaces histidine 412 with glutamine.
Molecular consequence: missense variant.
Genome position (GRCh38, 1-based): chr19:46,756,686, C>G. VCF-style: chr19-46756686-C-G. GRCh37 (hg19) VCF-style: chr19-47259943-C-G.
Other names: c.1236C>G, p.His412Gln (NM_001039885.3); short protein forms H412Q.
Identifiers: ClinVar variation 648821 (VCV000648821.6), dbSNP rs201076863, ClinGen allele CA406496941.
Genomic context (GRCh38, chr19:46,756,686, plus strand): 5'-CGTATGGGAGAAGGCGGTCGAGGGCGACTTTTTCCGCGTGCAGTACAGCGAAAGCAACCA[C>G]TTGCACGTGGACCTGTGGCCCTTCTACCCCCGCAATGGCGTCATGACCAAGGACACGTGG-3'
Protein context (NP_077277.1, residues 402-422): FFRVQYSESN[His412Gln]LHVDLWPFYP